The following is an entry in ClinVar:

NM_177559.3(CSNK2A1):c.1A>G (p.Met1Val)

Gene: CSNK2A1 (casein kinase 2 alpha 1; minus strand). Cytogenetic location: 20p13.
Variant type: single nucleotide variant.
Coding change: c.1A>G on transcript NM_177559.3 (MANE Select); coding-DNA position 1, A replaced by G.
Protein change: p.Met1Val; changes the start codon (methionine 1).
Molecular consequence: missense variant, initiator codon variant. On other transcripts: intron variant (1).
Genome position (GRCh38, 1-based): chr20:508,551, T>C on the plus strand (A>G on the coding strand, the complement: CSNK2A1 is on the minus strand). VCF-style: chr20-508551-T-C. GRCh37 (hg19) VCF-style: chr20-489195-T-C.
Other names: c.1A>G, p.Met1Val (NM_001362770.2, NM_001362771.2, NM_001895.4); c.-307-3322A>G (NM_177560.3); c.1A>G (NM_001895.3); short protein forms M1V.
Identifiers: ClinVar variation 619015 (VCV000619015.4), dbSNP rs1568532361, ClinGen allele CA407941948.
Genomic context (GRCh38, chr20:508,551, plus strand): 5'-GAGGTCTGTGTGTATTAACATCTGTGTAAACTCTGGCCCTGCTTGGCACGGGTCCCGACA[T>C]GTCAGACAGGTTGGCGGACAAAGCTGGACTTGATGTTTGGAGATCTGGCAGTCACTGTGT-3'
Protein context (NP_808227.1, residues 1-11): [Met1Val]SGPVPSRARV

ClinVar aggregate classification (germline): Pathogenic. Review status: criteria provided, single submitter (1 of 4 stars). 3 submissions from 3 submitters: Pathogenic (1). 2 of the submissions do not count toward it. Last evaluated 2023-10-12.

Conditions:
Okur-Chung neurodevelopmental syndrome (OCNDS). Identifiers: Orphanet 689422, MedGen C4310739, MONDO:0014893, OMIM 617062.

Submissions (3):

GeneDx
Classification: Pathogenic. Last evaluated: 2023-10-12. Review status: criteria provided, single submitter. Criteria: GeneDx Variant Classification Process June 2021. Collection method: clinical testing. Allele origin: germline. Affected: yes.
Comment: Initiation codon variant in a gene for which loss of function is a known mechanism of disease; Not observed at significant frequency in large population cohorts (gnomAD); This variant is associated with the following publications: (PMID: 29240241)

Solve-RD Consortium
Classification: Likely pathogenic for Okur-Chung neurodevelopmental syndrome. Last evaluated: 2022-06-01. Review status: no assertion criteria provided. Collection method: provider interpretation. Allele origin: inherited. Affected: yes. Not counted in ClinVar's aggregate classification.
Comment: Variant confirmed as disease-causing by referring clinical team

Variant identified during reanalysis of unsolved cases by the Solve-RD project. The Solve-RD project has received funding from the European Union’s Horizon 2020 research and innovation programme under grant agreement No 779257.

OMIM
Classification: Pathogenic for OKUR-CHUNG NEURODEVELOPMENTAL SYNDROME. Last evaluated: 2019-02-19. Review status: no assertion criteria provided. Collection method: literature only. Allele origin: germline. Not counted in ClinVar's aggregate classification.

Literature cited by the submitters: PubMed 39825153 (cited by Solve-RD Consortium); PubMed 29240241 (cited by OMIM).